The following is an entry in ClinVar:

ClinVar aggregate classification (germline): Conflicting classifications of pathogenicity. Review status: criteria provided, conflicting classifications (1 of 4 stars). 3 submissions from 3 submitters: Uncertain significance (2); Likely benign (1). Last evaluated 2025-10-07.

Conditions:
Early-infantile DEE. Also called: Early infantile epileptic encephalopathy with suppression bursts; Ohtahara syndrome; Early infantile epileptic encephalopathy. Identifiers: Orphanet 1934, MedGen C0393706, MONDO:0800491.

Allele frequency attached by ClinVar (database versions not stated): gnomAD exomes below 0.00001; ExAC 0.00001; TOPMed 0.00001.
gnomAD v4.1: 6 of 1,614,070 alleles (0.00037%); highest among the groups gnomAD compares: South Asian, 0.0011%; no homozygotes.

Submissions (3):

Labcorp Genetics (formerly Invitae), Labcorp
Classification: Uncertain significance for Early-infantile DEE. Last evaluated: 2025-10-07. Review status: criteria provided, single submitter. Criteria: Invitae Variant Classification Sherloc (09022015). Collection method: clinical testing. Allele origin: germline.
Comment: This sequence change replaces glutamic acid, which is acidic and polar, with lysine, which is basic and polar, at codon 510 of the SPTAN1 protein (p.Glu510Lys). This variant is present in population databases (rs769320860, gnomAD no frequency). This missense change has been observed in individual(s) with temporal lobe epilepsy (PMID: 28199897). ClinVar contains an entry for this variant (Variation ID: 288315). Invitae Evidence Modeling of protein sequence and biophysical properties (such as structural, functional, and spatial information, amino acid conservation, physicochemical variation, residue mobility, and thermodynamic stability) has been performed for this missense variant. However, the output from this modeling did not meet the statistical confidence thresholds required to predict the impact of this variant on SPTAN1 protein function. In summary, the available evidence is currently insufficient to determine the role of this variant in disease. Therefore, it has been classified as a Variant of Uncertain Significance.

GeneDx
Classification: Likely benign. Last evaluated: 2021-01-15. Review status: criteria provided, single submitter. Criteria: GeneDx Variant Classification Process June 2021. Collection method: clinical testing. Allele origin: germline. Affected: yes.
Comment: See Variant Classification Assertion Criteria.

Eurofins Ntd Llc (ga)
Classification: Uncertain significance. Last evaluated: 2016-06-07. Review status: criteria provided, single submitter. Criteria: EGL Classification Definitions 2015. Collection method: clinical testing. Allele origin: germline. Observed: 1 variant allele, 1 heterozygote.

Literature cited by the submitters: PubMed 28199897 (cited by Labcorp Genetics (formerly Invitae), Labcorp).

NM_001130438.3(SPTAN1):c.1528G>A (p.Glu510Lys)

Gene: SPTAN1 (spectrin alpha, non-erythrocytic 1; plus strand). Cytogenetic location: 9q34.11.
Variant type: single nucleotide variant.
Coding change: c.1528G>A on transcript NM_001130438.3 (MANE Select); coding-DNA position 1528, G replaced by A.
Protein change: p.Glu510Lys; replaces glutamic acid 510 with lysine.
Molecular consequence: missense variant.
Genome position (GRCh38, 1-based): chr9:128,581,848, G>A. VCF-style: chr9-128581848-G-A. GRCh37 (hg19) VCF-style: chr9-131344127-G-A.
Other names: c.1528G>A, p.Glu510Lys (NM_001195532.2, NM_001363759.2, NM_001363765.2 and 1 more transcripts); short protein forms E510K.
Identifiers: ClinVar variation 288315 (VCV000288315.13), dbSNP rs769320860, ClinGen allele CA5264424.